The following is an entry in ClinVar:

NM_000492.4(CFTR):c.3527C>G (p.Thr1176Ser)

Genes: CFTR (CF transmembrane conductance regulator; plus strand), CFTR-AS2 (CFTR antisense RNA 2; minus strand). Cytogenetic location: 7q31.2.
Variant type: single nucleotide variant.
Coding change: c.3527C>G on transcript NM_000492.4 (MANE Select); coding-DNA position 3527, C replaced by G.
Protein change: p.Thr1176Ser; replaces threonine 1176 with serine.
Molecular consequence: missense variant.
Genome position (GRCh38, 1-based): chr7:117,627,580, C>G. VCF-style: chr7-117627580-C-G. GRCh37 (hg19) VCF-style: chr7-117267634-C-G.
Other names: short protein forms T1176S.
Identifiers: ClinVar variation 1732310 (VCV001732310.2), dbSNP rs2485146201, ClinGen allele CA368996252.

ClinVar aggregate classification (germline): Uncertain significance (1 of 4 stars; one submission).

Conditions:
Cystic fibrosis (CF). Also called: MUCOVISCIDOSIS. Identifiers: Orphanet 586, MedGen C0010674, MONDO:0009061, OMIM 219700. Disease mechanism: loss of function.

Submission:

Ambry Genetics
Classification: Uncertain significance for Cystic fibrosis. Last evaluated: 2021-08-11. Review status: criteria provided, single submitter. Criteria: Ambry Variant Classification Scheme 2023. Collection method: clinical testing. Allele origin: germline.
Comment: The p.T1176S variant (also known as c.3527C>G), located in coding exon 22 of the CFTR gene, results from a C to G substitution at nucleotide position 3527. The threonine at codon 1176 is replaced by serine, an amino acid with similar properties. This amino acid position is conserved. In addition, this alteration is predicted to be tolerated by in silico analysis. Since supporting evidence is limited at this time, the clinical significance of this alteration remains unclear.